The following is an entry in ClinVar:

NM_002900.3(RBP3):c.1216G>A (p.Glu406Lys)

Gene: RBP3 (retinol binding protein 3; plus strand). Cytogenetic location: 10q11.22.
Variant type: single nucleotide variant.
Coding change: c.1216G>A on transcript NM_002900.3 (MANE Select); coding-DNA position 1216, G replaced by A.
Protein change: p.Glu406Lys; replaces glutamic acid 406 with lysine.
Molecular consequence: missense variant.
Genome position (GRCh38, 1-based): chr10:47,349,700, G>A. VCF-style: chr10-47349700-G-A. GRCh37 (hg19) VCF-style: chr10-48389662-C-T.
Other names: short protein forms E406K.
Identifiers: ClinVar variation 959293 (VCV000959293.6), dbSNP rs576373730, ClinGen allele CA5487573.

ClinVar aggregate classification (germline): Conflicting classifications of pathogenicity. Review status: criteria provided, conflicting classifications (1 of 4 stars). 3 submissions from 3 submitters: Uncertain significance (2); Likely benign (1). Last evaluated 2024-05-20.

Conditions:
Retinal dystrophy. Also called: Inherited retinal dystrophy. Identifiers: Orphanet 71862, MedGen C0854723, MeSH D058499, MONDO:0019118, HP:0000556.

Allele frequency attached by ClinVar (database versions not stated): TOPMed below 0.00001; gnomAD 0.00001; gnomAD exomes 0.00003 and 0.00007; ExAC 0.00010.
gnomAD v4.1: 43 of 1,611,658 alleles (0.0027%); highest among the groups gnomAD compares: East Asian, 0.085%; no homozygotes.

Submissions (3):

Blueprint Genetics
Classification: Uncertain significance. Last evaluated: 2024-05-20. Review status: criteria provided, single submitter. Criteria: ACMG Guidelines, 2015. Collection method: clinical testing. Allele origin: germline.

Dept Of Ophthalmology, Nagoya University
Classification: Likely benign for Retinal dystrophy. Last evaluated: 2023-10-01. Review status: criteria provided, single submitter. Criteria: Submitter's publication. Collection method: research. Allele origin: germline. Affected: yes.

Labcorp Genetics (formerly Invitae), Labcorp
Classification: Uncertain significance. Last evaluated: 2022-09-01. Review status: criteria provided, single submitter. Criteria: Invitae Variant Classification Sherloc (09022015). Collection method: clinical testing. Allele origin: germline.
Comment: This sequence change replaces glutamic acid, which is acidic and polar, with lysine, which is basic and polar, at codon 406 of the RBP3 protein (p.Glu406Lys). This variant is present in population databases (rs576373730, gnomAD 0.1%). This variant has not been reported in the literature in individuals affected with RBP3-related conditions. ClinVar contains an entry for this variant (Variation ID: 959293). Algorithms developed to predict the effect of missense changes on protein structure and function (SIFT, PolyPhen-2, Align-GVGD) all suggest that this variant is likely to be tolerated. In summary, the available evidence is currently insufficient to determine the role of this variant in disease. Therefore, it has been classified as a Variant of Uncertain Significance.